The following is an entry in ClinVar:

ClinVar aggregate classification (germline): Uncertain significance. Review status: criteria provided, multiple submitters, no conflicts (2 of 4 stars). 2 submissions from 2 submitters: Uncertain significance (2). Last evaluated 2024-10-22.

Conditions:
Neutral 1 amino acid transport defect (HND). Also called: HARTNUP DISORDER; Hartnup disease. Identifiers: Orphanet 2116, MedGen C0018609, MONDO:0009324, OMIM 234500.
Iminoglycinuria. Identifiers: Orphanet 42062, MedGen C0268654, MONDO:0009448, OMIM 242600.
Hyperglycinuria. Also called: GLYCINURIA WITH OR WITHOUT OXALATE NEPHROLITHIASIS; GLYCINURIA WITH OR WITHOUT OXALATE UROLITHIASIS; IMINOGLYCINURIA TYPE II. Identifiers: MedGen C0543541, MONDO:0007677, OMIM 138500, HP:0003108.

Allele frequency attached by ClinVar (database versions not stated): TOPMed below 0.00001; gnomAD exomes 0.00001 and 0.00002; gnomAD 0.00002; ExAC 0.00003; 1000 Genomes Project 30x 0.00016; 1000 Genomes Project 0.00020.
gnomAD v4.1: 19 of 1,612,790 alleles (0.0012%); highest among the groups gnomAD compares: East Asian, 0.029%; no homozygotes.

Submissions (2):

Labcorp Genetics (formerly Invitae), Labcorp
Classification: Uncertain significance. Last evaluated: 2024-10-22. Review status: criteria provided, single submitter. Criteria: Invitae Variant Classification Sherloc (09022015). Collection method: clinical testing. Allele origin: germline.
Comment: This sequence change replaces methionine, which is neutral and non-polar, with threonine, which is neutral and polar, at codon 42 of the SLC6A19 protein (p.Met42Thr). This variant is present in population databases (rs144373119, gnomAD 0.009%). This variant has not been reported in the literature in individuals affected with SLC6A19-related conditions. ClinVar contains an entry for this variant (Variation ID: 1474965). Invitae Evidence Modeling of protein sequence and biophysical properties (such as structural, functional, and spatial information, amino acid conservation, physicochemical variation, residue mobility, and thermodynamic stability) has been performed for this missense variant. However, the output from this modeling did not meet the statistical confidence thresholds required to predict the impact of this variant on SLC6A19 protein function. In summary, the available evidence is currently insufficient to determine the role of this variant in disease. Therefore, it has been classified as a Variant of Uncertain Significance.

Fulgent Genetics
Classification: Uncertain significance for Hyperglycinuria; Neutral 1 amino acid transport defect; Iminoglycinuria. Last evaluated: 2021-12-22. Review status: criteria provided, single submitter. Criteria: ACMG Guidelines, 2015. Collection method: clinical testing. Allele origin: unknown.

NM_001003841.3(SLC6A19):c.125T>C (p.Met42Thr)

Gene: SLC6A19 (solute carrier family 6 member 19; plus strand). Cytogenetic location: 5p15.33.
Variant type: single nucleotide variant.
Coding change: c.125T>C on transcript NM_001003841.3 (MANE Select); coding-DNA position 125, T replaced by C.
Protein change: p.Met42Thr; replaces methionine 42 with threonine.
Molecular consequence: missense variant.
Genome position (GRCh38, 1-based): chr5:1,201,775, T>C. VCF-style: chr5-1201775-T-C. GRCh37 (hg19) VCF-style: chr5-1201890-T-C.
Other names: short protein forms M42T.
Identifiers: ClinVar variation 1474965 (VCV001474965.8), dbSNP rs144373119, ClinGen allele CA3182571.